The following is an entry in ClinVar:

NM_005751.5(AKAP9):c.2564A>C (p.Lys855Thr)

Gene: AKAP9 (A-kinase anchoring protein 9; plus strand). Cytogenetic location: 7q21.2.
Variant type: single nucleotide variant.
Coding change: c.2564A>C on transcript NM_005751.5 (MANE Select); coding-DNA position 2564, A replaced by C.
Protein change: p.Lys855Thr; replaces lysine 855 with threonine.
Molecular consequence: missense variant.
Genome position (GRCh38, 1-based): chr7:92,002,481, A>C. VCF-style: chr7-92002481-A-C. GRCh37 (hg19) VCF-style: chr7-91631795-A-C.
Other names: c.2564A>C, p.Lys855Thr (NM_147185.3); short protein forms K855T.
Identifiers: ClinVar variation 3649643 (VCV003649643.2).

ClinVar aggregate classification (germline): Uncertain significance (1 of 4 stars; one submission).

Conditions:
Long QT syndrome (LQTS). Identifiers: MedGen C0023976, MeSH D008133, MONDO:0002442. Disease mechanism: loss of function. Inheritance: Various modes of inheritance.

Submission:

Labcorp Genetics (formerly Invitae), Labcorp
Classification: Uncertain significance for Long QT syndrome. Last evaluated: 2024-04-11. Review status: criteria provided, single submitter. Criteria: Invitae Variant Classification Sherloc (09022015). Collection method: clinical testing. Allele origin: germline.
Comment: This sequence change replaces lysine, which is basic and polar, with threonine, which is neutral and polar, at codon 855 of the AKAP9 protein (p.Lys855Thr). This variant is not present in population databases (gnomAD no frequency). This variant has not been reported in the literature in individuals affected with AKAP9-related conditions. An algorithm developed to predict the effect of missense changes on protein structure and function (PolyPhen-2) suggests that this variant is likely to be disruptive. In summary, the available evidence is currently insufficient to determine the role of this variant in disease. Therefore, it has been classified as a Variant of Uncertain Significance.